The following is an entry in ClinVar:

NC_000023.10:g.(?_135738495)_(135741594_?)del

Gene: CD40LG (CD40 ligand; plus strand). Cytogenetic location: Xq26.3.
Variant type: Deletion.
Identifiers: ClinVar variation 1067290 (VCV001067290.8).

ClinVar aggregate classification (germline): Likely pathogenic (1 of 4 stars; one submission).

Conditions:
Hyper-IgM syndrome type 1. Also called: CD40 Ligand Deficiency; X-linked hyper-IgM syndrome; Immunodeficiency, X-linked, with hyper-IgM; Hyper-IgM Immunodeficiency Syndrome, Type 1. Identifiers: Orphanet 101088, MedGen C0398689, MONDO:0010626, OMIM 308230.

Submission:

Labcorp Genetics (formerly Invitae), Labcorp
Classification: Likely pathogenic for Hyper-IgM syndrome type 1. Last evaluated: 2020-09-20. Review status: criteria provided, single submitter. Criteria: Invitae Variant Classification Sherloc (09022015). Collection method: clinical testing. Allele origin: germline.
Comment: This variant is a gross deletion of the genomic region encompassing exon(s) 4-5 of the CD40LG gene. The 5' boundary is likely confined to intron 3. The 3' end of this event is unknown as it extends through the termination codon beyond the assayed region for this gene and may encompass additional genes. While this deletion is not anticipated to result in nonsense mediated decay, it is expected to create a truncated protein product or disrupt mRNA translation. This variant has not been reported in the literature in individuals with CD40LG-related conditions. This variant disrupts the p.Ala123 amino acid residue in CD40LG. Other variant(s) that disrupt this residue have been determined to be pathogenic (PMID: 15623492, 8094231, 10559240). This suggests that this residue is clinically significant, and that variants that disrupt this residue are likely to be disease-causing. In summary, the currently available evidence indicates that the variant is pathogenic, but additional data are needed to prove that conclusively. Therefore, this variant has been classified as Likely Pathogenic.

Literature cited by the submitters: PubMed 15623492; PubMed 8094231; PubMed 10559240.